The following is an entry in ClinVar:

NM_000152.5(GAA):c.1564C>A (p.Pro522Thr)

Gene: GAA (alpha glucosidase; plus strand). Cytogenetic location: 17q25.3.
Variant type: single nucleotide variant.
Coding change: c.1564C>A on transcript NM_000152.5 (MANE Select); coding-DNA position 1564, C replaced by A.
Protein change: p.Pro522Thr; replaces proline 522 with threonine.
Molecular consequence: missense variant.
Genome position (GRCh38, 1-based): chr17:80,110,953, C>A. VCF-style: chr17-80110953-C-A. GRCh37 (hg19) VCF-style: chr17-78084752-C-A.
Other names: c.1564C>A (LRG_673t1); c.1564C>A, p.Pro522Thr (NM_001079803.3, NM_001079804.3); short protein forms P522T.
Identifiers: ClinVar variation 449460 (VCV000449460.9), dbSNP rs892129065, ClinGen allele CA401367208.

ClinVar aggregate classification (germline): Pathogenic/Likely pathogenic. Review status: criteria provided, multiple submitters, no conflicts (2 of 4 stars). 4 submissions from 4 submitters: Pathogenic (1); Likely pathogenic (2). 1 of the submissions does not count toward it. Last evaluated 2026-07-01.

Conditions:
Glycogen storage disease, type II (IOPD). Also called: GLYCOGENOSIS, GENERALIZED, CARDIAC FORM; GSD II; POMPE DISEASE, INFANTILE-ONSET; GLYCOGEN STORAGE DISEASE II, INFANTILE-ONSET; ACID ALPHA-GLUCOSIDASE DEFICIENCY, INFANTILE-ONSET; GAA DEFICIENCY, INFANTILE-ONSET. Identifiers: Orphanet 365, MedGen C0017921, MONDO:0009290, OMIM 232300.

Submissions (4):

Genomenon, Inc
Classification: Likely pathogenic for Glycogen storage disease, type II. Last evaluated: 2026-07-01. Review status: criteria provided, single submitter. Criteria: Genomenon Sequence Variant Interpretation Standards - Updated. Collection method: curation. Allele origin: germline. Affected: yes.
Comment: GAA p.Pro522Thr (c.1564C>A) is a missense variant that changes the amino acid at codon 522 from Proline to Threonine. This variant has been observed in at least one proband with a GAA-related disorder in the compound heterozygous and/or homozygous state (PMID:17723315). The presence of pathogenic/likely pathogenic missense variant(s) at the same amino acid position indicates that this residue is likely important for protein function. It is absent or not present at a significant frequency in gnomAD. In silico models predict that this variant is possibly or probably damaging. In conclusion, we classify GAA p.Pro522Thr (c.1564C>A) as a likely pathogenic variant.

Labcorp Genetics (formerly Invitae), Labcorp
Classification: Pathogenic for Glycogen storage disease, type II. Last evaluated: 2024-10-07. Review status: criteria provided, single submitter. Criteria: Invitae Variant Classification Sherloc (09022015). Collection method: clinical testing. Allele origin: germline.
Comment: This sequence change replaces proline, which is neutral and non-polar, with threonine, which is neutral and polar, at codon 522 of the GAA protein (p.Pro522Thr). This variant is not present in population databases (gnomAD no frequency). This missense change has been observed in individual(s) with autosomal recessive glycogen storage disease type II (GSDII) (PMID: 17723315). ClinVar contains an entry for this variant (Variation ID: 449460). Invitae Evidence Modeling of protein sequence and biophysical properties (such as structural, functional, and spatial information, amino acid conservation, physicochemical variation, residue mobility, and thermodynamic stability) indicates that this missense variant is expected to disrupt GAA protein function with a positive predictive value of 95%. This variant disrupts the p.Pro522 amino acid residue in GAA. Other variant(s) that disrupt this residue have been determined to be pathogenic (PMID: 17643989, 18429042, 26800218, 29422078). This suggests that this residue is clinically significant, and that variants that disrupt this residue are likely to be disease-causing. For these reasons, this variant has been classified as Pathogenic.

GeneDx
Classification: Likely pathogenic. Last evaluated: 2017-07-03. Review status: criteria provided, single submitter. Criteria: GeneDx Variant Classification (06012015). Collection method: clinical testing. Allele origin: germline. Affected: yes.
Comment: The P522T variant is not observed in large population cohorts (Lek et al., 2016; 1000 Genomes Consortium et al., 2015; Exome Variant Server). The P522T variant is a non-conservative amino acid substitution, which is likely to impact secondary protein structure as these residues differ in polarity, charge, size and/or other properties. This substitution occurs at a position that is conserved across species. In silico analysis predicts this variant is probably damaging to the protein structure/function. P522 is located at the end of a beta-strand before and alpha-helical region of the alpha-glucosidase protein and replacement of the Proline at this position may cause misfolding of the protein (Pittis et al., 2008). Furthermore a missense variant at the same residue (P522A) have also been reported in a patient with GSDII, and functional analysis of this other variant found that it is associated with no residual enzyme activity (Pittis et al., 2008). In summary, we interpret P522T as likely pathogenic.

Natera, Inc.
Classification: Likely pathogenic for Glycogen storage disease type II. Last evaluated: 2020-09-28. Review status: no assertion criteria provided. Collection method: clinical testing. Allele origin: germline. Not counted in ClinVar's aggregate classification.

Literature cited by the submitters: PubMed 17723315 (cited by Genomenon, Inc and Labcorp Genetics (formerly Invitae), Labcorp); PubMed 17643989 (cited by Labcorp Genetics (formerly Invitae), Labcorp); PubMed 18429042 (cited by Labcorp Genetics (formerly Invitae), Labcorp); PubMed 26800218 (cited by Labcorp Genetics (formerly Invitae), Labcorp); PubMed 29422078 (cited by Labcorp Genetics (formerly Invitae), Labcorp).